The following is an entry in ClinVar:

NM_001201543.2(FAM161A):c.1589C>G (p.Ser530Ter)

Gene: FAM161A (FAM161 centrosomal protein A; minus strand). Cytogenetic location: 2p15.
Variant type: single nucleotide variant.
Coding change: c.1589C>G on transcript NM_001201543.2 (MANE Select); coding-DNA position 1589, C replaced by G.
Protein change: p.Ser530Ter; replaces serine 530 with a stop codon.
Molecular consequence: nonsense. On other transcripts: intron variant (1).
Genome position (GRCh38, 1-based): chr2:61,838,700, G>C on the plus strand (C>G on the coding strand, the complement: FAM161A is on the minus strand). VCF-style: chr2-61838700-G-C. GRCh37 (hg19) VCF-style: chr2-62065835-G-C.
Other names: c.1583+721C>G (NM_032180.3); short protein forms S530*.
Identifiers: ClinVar variation 1454064 (VCV001454064.6), dbSNP rs771703517, ClinGen allele CA346986205.

ClinVar aggregate classification (germline): Pathogenic (1 of 4 stars; one submission).

Allele frequency attached by ClinVar (database versions not stated): TOPMed below 0.00001.

Submission:

Labcorp Genetics (formerly Invitae), Labcorp
Classification: Pathogenic. Last evaluated: 2021-12-02. Review status: criteria provided, single submitter. Criteria: Invitae Variant Classification Sherloc (09022015). Collection method: clinical testing. Allele origin: germline.
Comment: This sequence change creates a premature translational stop signal (p.Ser530*) in the FAM161A gene. It is expected to result in an absent or disrupted protein product. Loss-of-function variants in FAM161A are known to be pathogenic (PMID: 20705278, 20705279, 24651477). This variant is not present in population databases (gnomAD no frequency). This variant has not been reported in the literature in individuals affected with FAM161A-related conditions. For these reasons, this variant has been classified as Pathogenic.

Literature cited by the submitters: PubMed 20705278; PubMed 20705279; PubMed 24651477.